The following continues an entry in ClinVar:

NM_001042492.3(NF1):c.2033dup (p.Ile679fs)

Gene: NF1. ClinVar aggregate classification (germline): Pathogenic. Pathogenic (29). ClinVar aggregate classification (oncogenicity): Likely oncogenic.

Submissions 31 to 35 of 35:

Department of Reproductive Genetics, International Peace Maternity and Child Health Hospital, Shanghai Jiao Tong University School of Medicine
Classification: Pathogenic for Neurofibromatosis, type 1. Last evaluated: 2025-05-01. Review status: no assertion criteria provided. Collection method: clinical testing. Allele origin: inherited. Affected: yes. Not counted in ClinVar's aggregate classification.
Comment: Loss of protein function was a known disease mechanism for NF1.The NM_001042492.3(NF1):c.2033dupC variant results in a frameshift and premature termination codon(p.Ile679AspfsTer21), predicted to trigger nonsense-mediated mRNA decay. This variant has been reported in individuals with Neurofibromatosis type 1 and was listed as Pathogenic in ClinVar (Variation ID: 141513).

Laboratory for Genotyping Development, RIKEN
Classification: Pathogenic for Gastric cancer. Last evaluated: 2021-07-01. Review status: no assertion criteria provided. Collection method: research. Allele origin: germline. Not counted in ClinVar's aggregate classification.

Clinical Genetics DNA and cytogenetics Diagnostics Lab, Erasmus MC, Erasmus Medical Center
Classification: Pathogenic. Review status: no assertion criteria provided. Collection method: clinical testing. Allele origin: germline. Affected: yes. Study: VKGL Data-share Consensus. Not counted in ClinVar's aggregate classification.

Diagnostic Laboratory, Department of Genetics, University Medical Center Groningen
Classification: Pathogenic. Review status: no assertion criteria provided. Collection method: clinical testing. Allele origin: germline. Affected: yes. Study: VKGL Data-share Consensus. Not counted in ClinVar's aggregate classification.

Joint Genome Diagnostic Labs from Nijmegen and Maastricht, Radboudumc and MUMC+
Classification: Pathogenic. Review status: no assertion criteria provided. Collection method: clinical testing. Allele origin: germline. Affected: yes. Study: VKGL Data-share Consensus. Not counted in ClinVar's aggregate classification.

Literature cited by the submitters: PubMed 17311297 (cited by 4 submitters); PubMed 7655472 (cited by 5 submitters); PubMed 18546366 (cited by 4 submitters); PubMed 21354044 (cited by 5 submitters); PubMed 23656349 (cited by 3 submitters); PubMed 10712197 (cited by 3 submitters); PubMed 23913538 (cited by Labcorp Genetics (formerly Invitae), Labcorp and Variantyx, Inc.); PubMed 23668869 (cited by 3 submitters); PubMed 33149276 (cited by Variantyx, Inc.); PubMed 34046057 (cited by Center for Genomic Medicine, Rigshospitalet, Copenhagen University Hospital); PubMed 10678181 (cited by Women's Health and Genetics/Laboratory Corporation of America, LabCorp); PubMed 23460398 (cited by Women's Health and Genetics/Laboratory Corporation of America, LabCorp); PubMed 30308447 (cited by Women's Health and Genetics/Laboratory Corporation of America, LabCorp and Mayo Clinic Laboratories, Mayo Clinic); PubMed 29872168 (cited by Women's Health and Genetics/Laboratory Corporation of America, LabCorp); PubMed 31370276 (cited by Mayo Clinic Laboratories, Mayo Clinic); PubMed 31766501 (cited by Mayo Clinic Laboratories, Mayo Clinic); PubMed 34418705 (cited by Mayo Clinic Laboratories, Mayo Clinic); PubMed 34427956 (cited by Mayo Clinic Laboratories, Mayo Clinic); PubMed 35698239 (cited by Mayo Clinic Laboratories, Mayo Clinic and Department of Reproductive Genetics, International Peace Maternity and Child Health Hospital, Shanghai Jiao Tong University School of Medicine); PubMed 28873162 (cited by Department of Pediatrics, Memorial Sloan Kettering Cancer Center); PubMed 31533797 (cited by The Laboratory of Genetics and Metabolism, Hunan Children’s Hospital and Department of Reproductive Genetics, International Peace Maternity and Child Health Hospital, Shanghai Jiao Tong University School of Medicine); PubMed 30275525 (cited by Department of Reproductive Genetics, International Peace Maternity and Child Health Hospital, Shanghai Jiao Tong University School of Medicine); PubMed 29673180 (cited by Department of Reproductive Genetics, International Peace Maternity and Child Health Hospital, Shanghai Jiao Tong University School of Medicine); PubMed 16479075 (cited by Department of Reproductive Genetics, International Peace Maternity and Child Health Hospital, Shanghai Jiao Tong University School of Medicine); PubMed 32107864 (cited by Department of Reproductive Genetics, International Peace Maternity and Child Health Hospital, Shanghai Jiao Tong University School of Medicine); PubMed 30713041 (cited by Department of Reproductive Genetics, International Peace Maternity and Child Health Hospital, Shanghai Jiao Tong University School of Medicine); PubMed 21362601 (cited by Department of Reproductive Genetics, International Peace Maternity and Child Health Hospital, Shanghai Jiao Tong University School of Medicine); PubMed 36988593 (cited by Laboratory for Genotyping Development, RIKEN).